The following is an entry in ClinVar:

ClinVar aggregate classification (germline): Uncertain significance (1 of 4 stars; one submission).

Conditions:
Peroxisome biogenesis disorder 3A (Zellweger). Also called: PEROXISOMAL BIOGENESIS DISORDER 3A (ZELLWEGER); Peroxisome biogenesis disorder 3A. Identifiers: Orphanet 912, MedGen C3553929, MONDO:0013927, OMIM 614859.

Submission:

Labcorp Genetics (formerly Invitae), Labcorp
Classification: Uncertain significance for Peroxisome biogenesis disorder 3A (Zellweger). Last evaluated: 2021-12-02. Review status: criteria provided, single submitter. Criteria: Invitae Variant Classification Sherloc (09022015). Collection method: clinical testing. Allele origin: germline.
Comment: This sequence change replaces isoleucine, which is neutral and non-polar, with leucine, which is neutral and non-polar, at codon 182 of the PEX12 protein (p.Ile182Leu). This variant is not present in population databases (gnomAD no frequency). This variant has not been reported in the literature in individuals affected with PEX12-related conditions. Algorithms developed to predict the effect of missense changes on protein structure and function are either unavailable or do not agree on the potential impact of this missense change (SIFT: "Tolerated"; PolyPhen-2: "Possibly Damaging"; Align-GVGD: "Class C0"). In summary, the available evidence is currently insufficient to determine the role of this variant in disease. Therefore, it has been classified as a Variant of Uncertain Significance.

NM_000286.3(PEX12):c.544A>C (p.Ile182Leu)

Gene: PEX12 (peroxisomal biogenesis factor 12; minus strand). Cytogenetic location: 17q12.
Variant type: single nucleotide variant.
Coding change: c.544A>C on transcript NM_000286.3 (MANE Select); coding-DNA position 544, A replaced by C.
Protein change: p.Ile182Leu; replaces isoleucine 182 with leucine.
Molecular consequence: missense variant.
Genome position (GRCh38, 1-based): chr17:35,577,174, T>G on the plus strand (A>C on the coding strand, the complement: PEX12 is on the minus strand). VCF-style: chr17-35577174-T-G. GRCh37 (hg19) VCF-style: chr17-33904193-T-G.
Other names: short protein forms I182L.
Identifiers: ClinVar variation 2023841 (VCV002023841.4), dbSNP rs2509169707, ClinGen allele CA399137903.